The following is an entry in ClinVar:

ClinVar aggregate classification (germline): Benign (1 of 4 stars; one submission).

Allele frequency attached by ClinVar (database versions not stated): 1000 Genomes Project 30x 0.61311; 1000 Genomes Project 0.62172; TOPMed 0.64811; gnomAD 0.68896.

Submission:

GeneDx
Classification: Benign. Last evaluated: 2018-06-14. Review status: criteria provided, single submitter. Criteria: GeneDx Variant Classification (06012015). Collection method: clinical testing. Allele origin: germline. Affected: yes.
Comment: This variant is considered likely benign or benign based on one or more of the following criteria: it is a conservative change, it occurs at a poorly conserved position in the protein, it is predicted to be benign by multiple in silico algorithms, and/or has population frequency not consistent with disease.

NM_001079855.2(GYG2):c.7+185G>A

Gene: GYG2 (glycogenin 2; plus strand). Cytogenetic location: Xp22.33.
Variant type: single nucleotide variant.
Coding change: c.7+185G>A on transcript NM_001079855.2 (MANE Select); 185 bases into the intron after coding-DNA position 7, G replaced by A.
Molecular consequence: intron variant.
Genome position (GRCh38, 1-based): chrX:2,830,380, G>A. VCF-style: chrX-2830380-G-A. GRCh37 (hg19) VCF-style: chrX-2748421-G-A.
Other names: c.7+185G>A (NM_003918.3, NM_001184703.2, NM_001184702.2); c.-317+185G>A (NM_001184704.2).
Identifiers: ClinVar variation 684112 (VCV000684112.1), dbSNP rs5939348, ClinGen allele CA15043461.